The following is an entry in ClinVar:

NM_000088.4(COL1A1):c.622_642+3delinsGGGGGGAGCACTGTATAG

Gene: COL1A1 (collagen type I alpha 1 chain; minus strand). Cytogenetic location: 17q21.33.
Variant type: Indel.
Coding change: c.622_642+3delinsGGGGGGAGCACTGTATAG on transcript NM_000088.4 (MANE Select); coding-DNA position 622 through 3 bases into the intron after coding-DNA position 642, CCTGGCGAGCCTGGAGCTTCAGTA replaced by GGGGGGAGCACTGTATAG.
Molecular consequence: splice donor variant.
Genome position (GRCh38, 1-based): chr17:50,197,946-50,197,969, TACTGAAGCTCCAGGCTCGCCAGG replaced by CTATACAGTGCTCCCCCC on the plus strand (CCTGGCGAGCCTGGAGCTTCAGTA replaced by GGGGGGAGCACTGTATAG on the coding strand, the reverse complement: COL1A1 is on the minus strand). GRCh37 (hg19): chr17:48,275,307-48,275,330.
Identifiers: ClinVar variation 2052163 (VCV002052163.4), dbSNP rs2509246578, ClinGen allele CA2580094352.

ClinVar aggregate classification (germline): Pathogenic (1 of 4 stars; one submission).

Conditions:
Osteogenesis imperfecta type I (OI1). Also called: Lobstein disease; Osteogenesis imperfecta type 1; Lobstein's Disease; OI, TYPE I; OSTEOGENESIS IMPERFECTA TARDA; OSTEOGENESIS IMPERFECTA WITH BLUE SCLERAE. Identifiers: Orphanet 216796, Orphanet 666, MedGen C0023931, MONDO:0008146, OMIM 166200. Disease mechanism: loss of function.

Submission:

Labcorp Genetics (formerly Invitae), Labcorp
Classification: Pathogenic for Osteogenesis imperfecta type I. Last evaluated: 2022-01-21. Review status: criteria provided, single submitter. Criteria: Invitae Variant Classification Sherloc (09022015). Collection method: clinical testing. Allele origin: germline.
Comment: For these reasons, this variant has been classified as Pathogenic. This variant disrupts the triple helix domain of COL1A1. Glycine residues within the Gly-Xaa-Yaa repeats of the triple helix domain are required for the structure and stability of fibrillar collagens (PMID: 7695699, 8218237, 19344236). In COL1A1, variants affecting these glycine residues are significantly enriched in individuals with disease (PMID: 9016532, 17078022) compared to the general population (ExAC). This variant has not been reported in the literature in individuals affected with COL1A1-related conditions. This variant is not present in population databases (gnomAD no frequency). This variant results in the deletion of part of exon 8 (c.631_642+3delins18) of the COL1A1 gene. It is expected to disrupt RNA splicing. Variants that disrupt the donor or acceptor splice site typically lead to a loss of protein function (PMID: 16199547), and loss-of-function variants in COL1A1 are known to be pathogenic (PMID: 7942841, 9295084, 9443882).

Literature cited by the submitters: PubMed 7695699; PubMed 8218237; PubMed 19344236; PubMed 9016532; PubMed 17078022; PubMed 16199547; PubMed 7942841; PubMed 9295084; PubMed 9443882.